The following is an entry in ClinVar:

ClinVar aggregate classification (germline): Pathogenic/Likely pathogenic. Review status: criteria provided, multiple submitters, no conflicts (2 of 4 stars). 2 submissions from 2 submitters: Pathogenic (1); Likely pathogenic (1). Last evaluated 2022-09-28.

Conditions:
Endometrial carcinoma. Also called: Endometrial carcinoma, somatic. Identifiers: MedGen C0476089, MONDO:0002447, OMIM 608089, HP:0012114.

Submissions (2):

Baylor Genetics
Classification: Likely pathogenic for Endometrial carcinoma. Last evaluated: 2022-09-28. Review status: criteria provided, single submitter. Criteria: ACMG Guidelines, 2015. Collection method: clinical testing. Allele origin: unknown.

Labcorp Genetics (formerly Invitae), Labcorp
Classification: Pathogenic. Last evaluated: 2022-03-18. Review status: criteria provided, single submitter. Criteria: Invitae Variant Classification Sherloc (09022015). Collection method: clinical testing. Allele origin: germline.
Comment: This sequence change creates a premature translational stop signal (p.Lys223Asnfs*10) in the MSH3 gene. It is expected to result in an absent or disrupted protein product. Loss-of-function variants in MSH3 are known to be pathogenic (PMID: 27476653). This variant is not present in population databases (gnomAD no frequency). This variant has not been reported in the literature in individuals affected with MSH3-related conditions. For these reasons, this variant has been classified as Pathogenic.

Literature cited by the submitters: PubMed 27476653 (cited by Labcorp Genetics (formerly Invitae), Labcorp).

NM_002439.5(MSH3):c.669del (p.Lys223fs)

Gene: MSH3 (mutS homolog 3; plus strand). Cytogenetic location: 5q14.1.
Variant type: Deletion.
Coding change: c.669del on transcript NM_002439.5 (MANE Select); coding-DNA position 669, one base deleted (A; older notation c.669delA).
Protein change: p.Lys223fs; shifts the reading frame from lysine 223.
Molecular consequence: frameshift variant.
Genome position (GRCh38, 1-based): chr5:80,670,186, A deleted; the last of 3 consecutive A bases (chr5:80,670,184-80,670,186); deleting any one gives the same sequence. VCF-style (leftmost placement, unchanged base first): chr5-80670183-CA-C. GRCh37 (hg19) VCF-style: chr5-79966002-CA-C.
Other names: short protein forms K223fs.
Identifiers: ClinVar variation 2114035 (VCV002114035.5), dbSNP rs2546721122, ClinGen allele CA2580073493.
Genomic context (GRCh38, chr5:80,670,183, plus strand): 5'-GTTTGGATCATCAAATACAAGTCATGAAAATTTACAGAAAACTGCTTCCAAATCAGCTAA[CA>C]AACGGTCCAAAAGCATCTATACGCCGCTAGAATTACAATACATAGAAATGAAGCAGCAGC-3'